The following is an entry in ClinVar:

NM_004360.5(CDH1):c.2615T>C (p.Leu872Pro)

Gene: CDH1 (cadherin 1; plus strand). Cytogenetic location: 16q22.1.
Variant type: single nucleotide variant.
Coding change: c.2615T>C on transcript NM_004360.5 (MANE Select); coding-DNA position 2615, T replaced by C.
Protein change: p.Leu872Pro; replaces leucine 872 with proline.
Molecular consequence: missense variant.
Genome position (GRCh38, 1-based): chr16:68,833,465, T>C. VCF-style: chr16-68833465-T-C. GRCh37 (hg19) VCF-style: chr16-68867368-T-C.
Other names: c.2432T>C, p.Leu811Pro (NM_001317184.2); c.1067T>C, p.Leu356Pro (NM_001317185.2); c.650T>C, p.Leu217Pro (NM_001317186.2); short protein forms L217P, L356P, L811P, L872P.
Identifiers: ClinVar variation 2445382 (VCV002445382.4), dbSNP rs2543965910, ClinGen allele CA396472752.

ClinVar aggregate classification (germline): Conflicting classifications of pathogenicity. Review status: criteria provided, conflicting classifications (1 of 4 stars). 2 submissions from 2 submitters: Likely pathogenic (1); Uncertain significance (1). Last evaluated 2024-12-12.

Conditions:
Ovarian cancer. Also called: OVARIAN CANCER, SOMATIC. Identifiers: Orphanet 213500, MedGen C1140680, MONDO:0008170, OMIM 167000.
Hereditary diffuse gastric adenocarcinoma (HDGC). Also called: DIFFUSE GASTRIC AND LOBULAR BREAST CANCER SYNDROME. Identifiers: Orphanet 26106, MedGen C1708349, MONDO:0007648, OMIM 137215.

Submissions (2):

Labcorp Genetics (formerly Invitae), Labcorp
Classification: Uncertain significance for Hereditary diffuse gastric adenocarcinoma. Last evaluated: 2024-12-12. Review status: criteria provided, single submitter. Criteria: Invitae Variant Classification Sherloc (09022015). Collection method: clinical testing. Allele origin: germline.
Comment: This sequence change replaces leucine, which is neutral and non-polar, with proline, which is neutral and non-polar, at codon 872 of the CDH1 protein (p.Leu872Pro). This variant is not present in population databases (gnomAD no frequency). This variant has not been reported in the literature in individuals affected with CDH1-related conditions. ClinVar contains an entry for this variant (Variation ID: 2445382). An algorithm developed to predict the effect of missense changes on protein structure and function (PolyPhen-2) suggests that this variant is likely to be disruptive. In summary, the available evidence is currently insufficient to determine the role of this variant in disease. Therefore, it has been classified as a Variant of Uncertain Significance.

Laboratory of Molecular Epidemiology of Birth Defects, West China Second University Hospital, Sichuan University
Classification: Likely pathogenic for Ovarian cancer. Last evaluated: 2022-01-01. Review status: criteria provided, single submitter. Criteria: ACMG Guidelines, 2015. Collection method: clinical testing. Allele origin: germline. Affected: yes.